The following is an entry in ClinVar:

ClinVar aggregate classification (germline): Conflicting classifications of pathogenicity. Review status: criteria provided, conflicting classifications (1 of 4 stars). 4 submissions from 4 submitters: Uncertain significance (1); Likely benign (2). 1 of the submissions does not count toward it. Last evaluated 2025-12-20.

Conditions:
PPP1R15B-related disorder. Also called: PPP1R15B-related condition.
Inborn genetic diseases. Identifiers: MedGen C0950123, MeSH D030342.

Allele frequency attached by ClinVar (database versions not stated): gnomAD exomes 0.00013; ExAC 0.00036; 1000 Genomes Project 0.00080; 1000 Genomes Project 30x 0.00094; gnomAD 0.00139; TOPMed 0.00155; ESP Exome Variant Server 0.00161.

Submissions (4):

Labcorp Genetics (formerly Invitae), Labcorp
Classification: Likely benign. Last evaluated: 2025-12-20. Review status: criteria provided, single submitter. Criteria: Invitae Variant Classification Sherloc (09022015). Collection method: clinical testing. Allele origin: germline.

Ambry Genetics
Classification: Likely benign for Inborn genetic diseases. Last evaluated: 2024-10-06. Review status: criteria provided, single submitter. Criteria: Ambry Variant Classification Scheme 2023. Collection method: clinical testing. Allele origin: germline.

Genetic Services Laboratory, University of Chicago
Classification: Uncertain significance. Last evaluated: 2023-08-22. Review status: criteria provided, single submitter. Criteria: ACMG Guidelines, 2015. Collection method: clinical testing. Allele origin: germline. Affected: no.
Comment: DNA sequence analysis of the PPP1R15B gene demonstrated a sequence change, c.1243A>G, in exon 1 that results in an amino acid change, p.Ile415Val. This sequence change does not appear to have been previously described in individuals with PPP1R15B-related disorders. This sequence change has been described in the gnomAD database with a frequency of 0.43% in the African/African-American subpopulation (dbSNP rs139539525). The p.Ile415Val change affects a poorly conserved amino acid residue located in a domain of the PPP1R15B protein that is known to be functional. The p.Ile415Val substitution appears to be benign/possibly benign using several in-silico pathogenicity prediction tools (SIFT, PolyPhen2, Align GVGD, REVEL). Due to insufficient evidences and the lack of functional studies, the clinical significance of the p.Ile415Val change remains unknown at this time.

PreventionGenetics, part of Exact Sciences
Classification: Likely benign for PPP1R15B-related condition. Last evaluated: 2022-05-17. Review status: no assertion criteria provided. Collection method: clinical testing. Allele origin: germline. Not counted in ClinVar's aggregate classification.
Comment: This variant is classified as likely benign based on ACMG/AMP sequence variant interpretation guidelines (Richards et al. 2015 PMID: 25741868, with internal and published modifications).

NM_032833.5(PPP1R15B):c.1243A>G (p.Ile415Val)

Gene: PPP1R15B (protein phosphatase 1 regulatory subunit 15B; minus strand). Cytogenetic location: 1q32.1.
Variant type: single nucleotide variant.
Coding change: c.1243A>G on transcript NM_032833.5 (MANE Select); coding-DNA position 1243, A replaced by G.
Protein change: p.Ile415Val; replaces isoleucine 415 with valine.
Molecular consequence: missense variant.
Genome position (GRCh38, 1-based): chr1:204,410,169, T>C on the plus strand (A>G on the coding strand, the complement: PPP1R15B is on the minus strand). VCF-style: chr1-204410169-T-C. GRCh37 (hg19) VCF-style: chr1-204379297-T-C.
Other names: c.1243A>G (NM_032833.4, NM_032833.3); short protein forms I415V.
Identifiers: ClinVar variation 2198757 (VCV002198757.9), dbSNP rs139539525, ClinGen allele CA1346666.